The following is an entry in ClinVar:

NM_024548.4(CEP97):c.809T>C (p.Leu270Pro)

Gene: CEP97 (centrosomal protein 97; plus strand). Cytogenetic location: 3q12.3.
Variant type: single nucleotide variant.
Coding change: c.809T>C on transcript NM_024548.4 (MANE Select); coding-DNA position 809, T replaced by C.
Protein change: p.Leu270Pro; replaces leucine 270 with proline.
Molecular consequence: missense variant.
Genome position (GRCh38, 1-based): chr3:101,755,510, T>C. VCF-style: chr3-101755510-T-C. GRCh37 (hg19) VCF-style: chr3-101474354-T-C.
Other names: c.809T>C, p.Leu270Pro (NM_001303401.2); c.707T>C, p.Leu236Pro (NM_001410784.1, NM_001410785.1); short protein forms L270P, L236P.
Identifiers: ClinVar variation 2879142 (VCV002879142.3), dbSNP rs1938979472, ClinGen allele CA353874038.
Genomic context (GRCh38, chr3:101,755,510, plus strand): 5'-ATAGTCAAGGCAAGGGGAGAGCATATCGGCCTGGCCAGCACATCCAGCTTGTCCAATATC[T>C]GGCTACAGTCTGCCCCCTCACTTCTACACTAGGTCTTCAAACTGCAGAGGATGCCAAACT-3'
Protein context (NP_078824.2, residues 260-280): PGQHIQLVQY[Leu270Pro]ATVCPLTSTL

ClinVar aggregate classification (germline): Uncertain significance (1 of 4 stars; one submission).

Allele frequency attached by ClinVar (database versions not stated): TOPMed below 0.00001.

Submission:

Labcorp Genetics (formerly Invitae), Labcorp
Classification: Uncertain significance. Last evaluated: 2024-01-02. Review status: criteria provided, single submitter. Criteria: Invitae Variant Classification Sherloc (09022015). Collection method: clinical testing. Allele origin: germline.
Comment: This sequence change replaces leucine, which is neutral and non-polar, with proline, which is neutral and non-polar, at codon 270 of the CEP97 protein (p.Leu270Pro). This variant is not present in population databases (gnomAD no frequency). This variant has not been reported in the literature in individuals affected with CEP97-related conditions. Advanced modeling of protein sequence and biophysical properties (such as structural, functional, and spatial information, amino acid conservation, physicochemical variation, residue mobility, and thermodynamic stability) performed at Invitae indicates that this missense variant is expected to disrupt CEP97 protein function with a positive predictive value of 80%. In summary, the available evidence is currently insufficient to determine the role of this variant in disease. Therefore, it has been classified as a Variant of Uncertain Significance.